The following is an entry in ClinVar:

NM_019616.4(F7):c.1022C>A (p.Pro341His)

Gene: F7 (coagulation factor VII; plus strand). Cytogenetic location: 13q34.
Variant type: single nucleotide variant.
Coding change: c.1022C>A on transcript NM_019616.4 (MANE Select); coding-DNA position 1022, C replaced by A.
Protein change: p.Pro341His; replaces proline 341 with histidine.
Molecular consequence: missense variant. On other transcripts: non-coding transcript variant (1).
Genome position (GRCh38, 1-based): chr13:113,118,695, C>A. VCF-style: chr13-113118695-C-A. GRCh37 (hg19) VCF-style: chr13-113773009-C-A.
Other names: c.1088C>A, p.Pro363His (NM_000131.5); c.836C>A, p.Pro279His (NM_001267554.2); short protein forms P279H, P341H, P363H.
Identifiers: ClinVar variation 3911970 (VCV003911970.2).

ClinVar aggregate classification (germline): Uncertain significance (1 of 4 stars; one submission).

Submission:

Women's Health and Genetics/Laboratory Corporation of America, LabCorp
Classification: Uncertain significance. Last evaluated: 2025-07-02. Review status: criteria provided, single submitter. Criteria: LabCorp Variant Classification Summary - May 2015. Collection method: clinical testing. Allele origin: germline.
Comment: Variant summary: F7 c.1088C>A (p.Pro363His) results in a non-conservative amino acid change in the encoded protein sequence. Algorithms developed to predict the effect of missense changes on protein structure and function all suggest that this variant is likely to be disruptive. The variant was absent in 248820 control chromosomes. The available data on variant occurrences in the general population are insufficient to allow any conclusion about variant significance. c.1088C>A has been observed in individual(s) affected with Congenital factor VII deficiency (Herrmann_2009). These report(s) do not provide unequivocal conclusions about association of the variant with Congenital factor VII deficiency. To our knowledge, no experimental evidence demonstrating an impact on protein function has been reported. This variant is also known as P303H in the literature. The following publication have been ascertained in the context of this evaluation (PMID: 18976247). No submitters have cited clinical-significance assessments for this variant to ClinVar. Based on the evidence outlined above, the variant was classified as uncertain significance.

Literature cited by the submitters: PubMed 18976247.